The following is an entry in ClinVar:

NM_001042492.3(NF1):c.6921+2T>C

Gene: NF1 (neurofibromin 1; plus strand). Cytogenetic location: 17q11.2.
Variant type: single nucleotide variant.
Coding change: c.6921+2T>C on transcript NM_001042492.3 (MANE Select); the canonical splice donor site of the intron after coding-DNA position 6921, T replaced by C.
Molecular consequence: splice donor variant.
Genome position (GRCh38, 1-based): chr17:31,338,807, T>C. VCF-style: chr17-31338807-T-C. GRCh37 (hg19) VCF-style: chr17-29665825-T-C.
Other names: c.6858+2T>C (NM_000267.4, NM_000267.3).
Identifiers: ClinVar variation 1397776 (VCV001397776.11), dbSNP rs1555535053, ClinGen allele CA399014461.

ClinVar aggregate classification (germline): Pathogenic/Likely pathogenic. Review status: criteria provided, multiple submitters, no conflicts (2 of 4 stars). 5 submissions from 5 submitters: Pathogenic (4); Likely pathogenic (1). Last evaluated 2026-07-09.

Conditions:
Neurofibromatosis, type 1 (NF1). Also called: NEUROFIBROMATOSIS, TYPE I, SOMATIC; Peripheral type neurofibromatosis; Neurofibromatosis, type I; VON RECKLINGHAUSEN DISEASE. Identifiers: Orphanet 636, MedGen C0027831, MONDO:0018975, OMIM 162200. Disease mechanism: loss of function.
NF1-related disorder. Also called: NF1-related condition. Identifiers: MedGen CN379171.
Cardiovascular phenotype. Identifiers: MedGen CN230736.
Hereditary cancer-predisposing syndrome. Also called: Neoplastic Syndromes, Hereditary; Tumor predisposition; Hereditary Cancer Syndrome; Hereditary neoplastic syndrome. Identifiers: Orphanet 140162, MedGen C0027672, MeSH D009386, MONDO:0015356.

Submissions (5):

GeneDx
Classification: Pathogenic. Last evaluated: 2026-07-09. Review status: criteria provided, single submitter. Criteria: GeneDx Variant Classification Process June 2021. Collection method: clinical testing. Allele origin: germline.
Comment: Canonical splice site variant predicted to result in an in-frame loss of the adjacent exon in a gene for which loss of function is a known mechanism of disease; Deletions involving coding exons of this gene are a known mechanism of disease (HGMD); Not observed at significant frequency in large population cohorts (gnomAD); Observed in individuals with a personal or family history consistent with pathogenic variants in this gene (PMID: 17426081, 31370276); This variant is associated with the following publications: (PMID: 25525159, 17426081, 18546366, 31370276)

Ambry Genetics
Classification: Likely pathogenic for Cardiovascular phenotype; Hereditary cancer-predisposing syndrome. Last evaluated: 2025-10-24. Review status: criteria provided, single submitter. Criteria: Ambry Variant Classification Scheme 2023. Collection method: clinical testing. Allele origin: germline.
Comment: The c.6858+2T>C intronic variant results from a T to C substitution two nucleotides after coding exon 45 in the NF1 gene. Alterations that disrupt the canonical splice site are expected to result in aberrant splicing. In silico splice site analysis predicts that this alteration will weaken the native splice donor site. A resulting transcript is predicted to be in-frame and is not expected to trigger nonsense-mediated mRNAdecay; although, direct evidence is unavailable. However, the region predicted to be impacted is critical for protein function (Ambry internal data). This variant was reported in individual(s) with features consistent with neurofibromatosis type 1 (NF1) (Bausch B et al. J Clin Endocrinol Metab, 2007 Jul;92:2784-92; Giugliano T et al. Genes (Basel), 2019 Jul;10). This variant is considered to be rare based on population cohorts in the Genome Aggregation Database (gnomAD). This nucleotide position is highly conserved in available vertebrate species. Based on the majority of available evidence to date, this variant is likely to be pathogenic.

Labcorp Genetics (formerly Invitae), Labcorp
Classification: Pathogenic for Neurofibromatosis, type 1. Last evaluated: 2025-08-06. Review status: criteria provided, single submitter. Criteria: Invitae Variant Classification Sherloc (09022015). Collection method: clinical testing. Allele origin: germline.
Comment: This sequence change affects a donor splice site in intron 45 of the NF1 gene. It is expected to disrupt RNA splicing. Variants that disrupt the donor or acceptor splice site typically lead to a loss of protein function (PMID: 16199547), and loss-of-function variants in NF1 are known to be pathogenic (PMID: 10712197, 23913538). This variant is not present in population databases (gnomAD no frequency). Disruption of this splice site has been observed in individual(s) with clinical features of neurofibromatosis type 1 (PMID: 17426081, 31370276). Invitae Evidence Modeling of clinical and family history, age, sex, and reported ancestry of multiple individuals with this NF1 variant has been performed. This variant is expected to be pathogenic with a positive predictive value of at least 99%. This is a validated machine learning model that incorporates the clinical features of 1,785,918 individuals referred to our laboratory for NF1 testing. ClinVar contains an entry for this variant (Variation ID: 1397776). Algorithms developed to predict the effect of sequence changes on RNA splicing suggest that this variant may disrupt the consensus splice site. For these reasons, this variant has been classified as Pathogenic.

Genome-Nilou Lab
Classification: Pathogenic for Neurofibromatosis, type 1. Last evaluated: 2022-03-15. Review status: criteria provided, single submitter. Criteria: ACMG Guidelines, 2015. Collection method: clinical testing. Allele origin: germline. Affected: no.

Blueprint Genetics
Classification: Pathogenic for NF1-related disorders. Last evaluated: 2019-12-17. Review status: criteria provided, single submitter. Criteria: ACMG Guidelines, 2015. Collection method: clinical testing. Allele origin: germline. Affected: yes. Observed: 1 variant allele.

Literature cited by the submitters: PubMed 17426081 (cited by Ambry Genetics and Labcorp Genetics (formerly Invitae), Labcorp); PubMed 31370276 (cited by Ambry Genetics and Labcorp Genetics (formerly Invitae), Labcorp); PubMed 16199547 (cited by Labcorp Genetics (formerly Invitae), Labcorp); PubMed 10712197 (cited by Labcorp Genetics (formerly Invitae), Labcorp); PubMed 23913538 (cited by Labcorp Genetics (formerly Invitae), Labcorp).